The following is an entry in ClinVar:

NM_001042492.3(NF1):c.6145A>G (p.Lys2049Glu)

Gene: NF1 (neurofibromin 1; plus strand). Cytogenetic location: 17q11.2.
Variant type: single nucleotide variant.
Coding change: c.6145A>G on transcript NM_001042492.3 (MANE Select); coding-DNA position 6145, A replaced by G.
Protein change: p.Lys2049Glu; replaces lysine 2049 with glutamic acid.
Molecular consequence: missense variant.
Genome position (GRCh38, 1-based): chr17:31,336,471, A>G. VCF-style: chr17-31336471-A-G. GRCh37 (hg19) VCF-style: chr17-29663489-A-G.
Other names: c.6082A>G, p.Lys2028Glu (NM_000267.4); short protein forms K2049E, K2028E.
Identifiers: ClinVar variation 3404644 (VCV003404644.1).

ClinVar aggregate classification (germline): Uncertain significance (1 of 4 stars; one submission).

Conditions:
Hereditary cancer-predisposing syndrome. Also called: Hereditary Cancer Syndrome; Tumor predisposition; Hereditary neoplastic syndrome; Neoplastic Syndromes, Hereditary. Identifiers: Orphanet 140162, MedGen C0027672, MeSH D009386, MONDO:0015356.
Cardiovascular phenotype. Identifiers: MedGen CN230736.

gnomAD v4.1: 1 of 1,614,158 alleles (0.000062%); highest among the groups gnomAD compares: Non-Finnish European, 0.000085%; no homozygotes.

Submission:

Ambry Genetics
Classification: Uncertain significance for Cardiovascular phenotype; Hereditary cancer-predisposing syndrome. Last evaluated: 2024-07-12. Review status: criteria provided, single submitter. Criteria: Ambry Variant Classification Scheme 2023. Collection method: clinical testing. Allele origin: germline.
Comment: The p.K2028E variant (also known as c.6082A>G), located in coding exon 40 of the NF1 gene, results from an A to G substitution at nucleotide position 6082. The lysine at codon 2028 is replaced by glutamic acid, an amino acid with similar properties. This amino acid position is highly conserved in available vertebrate species. In addition, this alteration is predicted to be deleterious by in silico analysis. Based on the available evidence, the clinical significance of this variant remains unclear.